The following is an entry in ClinVar:

NM_007294.4(BRCA1):c.5278-3C>T

Gene: BRCA1 (BRCA1 DNA repair associated; minus strand). Cytogenetic location: 17q21.31.
Variant type: single nucleotide variant.
Coding change: c.5278-3C>T on transcript NM_007294.4 (MANE Select); 3 bases into the intron before coding-DNA position 5278, C replaced by T.
Molecular consequence: intron variant.
Genome position (GRCh38, 1-based): chr17:43,051,120, G>A on the plus strand (C>T on the coding strand, the complement: BRCA1 is on the minus strand). VCF-style: chr17-43051120-G-A. GRCh37 (hg19) VCF-style: chr17-41203137-G-A.
Other names: c.1825-3C>T (NM_001408458.1, NM_001408461.1, NM_001408464.1 and 7 more transcripts); c.4387-3C>T (NM_001407967.1); c.4897-3C>T (NM_001407959.1); c.5011-3C>T (NM_001407931.1, NM_001407932.1, NM_001407928.1 and 4 more transcripts); c.5134-3C>T (NM_001407747.1, NM_001407745.1, NM_001407737.1 and 21 more transcripts); c.4894-3C>T (NM_001407962.1, NM_001407960.1); c.1465-3C>T (NM_001408512.1); c.1588-3C>T (NM_001408510.1); and 74 more.
Identifiers: ClinVar variation 187738 (VCV000187738.17), dbSNP rs786203963, ClinGen allele CA003438.
Genomic context (GRCh38, chr17:43,051,120, plus strand): 5'-TACCTGTGGGCATGTTGGTGAAGGGCCCATAGCAACAGATTTCTAGCCCCCTGAAGATCT[G>A]GAAGAAGAGAGGAAGAGAGAGGGACAGGGGAATGGAGAGAAGGAAAATCTAGTTATAAAA-3'

ClinVar aggregate classification (germline): Conflicting classifications of pathogenicity. Review status: criteria provided, conflicting classifications (1 of 4 stars). 2 submissions from 2 submitters: Uncertain significance (1); Likely benign (1). Last evaluated 2022-07-14.

Conditions:
Hereditary breast ovarian cancer syndrome. Also called: Hereditary breast and ovarian cancer syndrome; Hereditary breast and ovarian cancer syndrome (HBOC); BRCA1- and BRCA2-Associated Hereditary Breast and Ovarian Cancer; Breast and ovarian cancer; Hereditary breast and ovarian cancer; Hereditary breast and/or ovarian cancer syndrome. Identifiers: Orphanet 145, MedGen C0677776, MeSH D061325, MONDO:0003582. Disease mechanism: loss of function.
Hereditary cancer-predisposing syndrome. Also called: Hereditary Cancer Syndrome; Hereditary neoplastic syndrome; Tumor predisposition; Neoplastic Syndromes, Hereditary. Identifiers: Orphanet 140162, MedGen C0027672, MeSH D009386, MONDO:0015356.

Submissions (3):

Labcorp Genetics (formerly Invitae), Labcorp
Classification: Uncertain significance for Hereditary breast ovarian cancer syndrome. Last evaluated: 2022-07-14. Review status: criteria provided, single submitter. Criteria: Invitae Variant Classification Sherloc (09022015). Collection method: clinical testing. Allele origin: germline.
Comment: In summary, the available evidence is currently insufficient to determine the role of this variant in disease. Therefore, it has been classified as a Variant of Uncertain Significance. Variants that disrupt the consensus splice site are a relatively common cause of aberrant splicing (PMID: 17576681, 9536098). Studies have shown that this variant does not affect mRNA splicing (PMID: 30209399). ClinVar contains an entry for this variant (Variation ID: 187738). This variant has not been reported in the literature in individuals affected with BRCA1-related conditions. This variant is not present in population databases (gnomAD no frequency). This sequence change falls in intron 19 of the BRCA1 gene. It does not directly change the encoded amino acid sequence of the BRCA1 protein. It affects a nucleotide within the consensus splice site.

Ambry Genetics
Classification: Likely benign for Hereditary cancer-predisposing syndrome. Last evaluated: 2021-02-11. Review status: criteria provided, single submitter. Criteria: Ambry Variant Classification Scheme 2023. Collection method: clinical testing. Allele origin: germline.

Brotman Baty Institute, University of Washington
No classification provided (evidence only). Condition: Breast-ovarian cancer, familial 1. Review status: no classification provided. Collection method: in vitro. Allele origin: not applicable. Functional consequence: functionally_normal. Not counted in ClinVar's aggregate classification.
ClinVar note: "not provided" was previously submitted as the classification for the variant. However, the classification appeared to be based only on an observation of functional data so it was converted to no classification on 2025-07-30.

Literature cited by the submitters: PubMed 17576681 (cited by Labcorp Genetics (formerly Invitae), Labcorp); PubMed 9536098 (cited by Labcorp Genetics (formerly Invitae), Labcorp); PubMed 30209399 (cited by Labcorp Genetics (formerly Invitae), Labcorp and Ambry Genetics).